The following is an entry in ClinVar:

ClinVar aggregate classification (germline): Uncertain significance. Review status: criteria provided, multiple submitters, no conflicts (2 of 4 stars). 2 submissions from 2 submitters: Uncertain significance (2). Last evaluated 2025-06-06.

Conditions:
Inborn genetic diseases. Identifiers: MedGen C0950123, MeSH D030342.

Allele frequency attached by ClinVar (database versions not stated): gnomAD 0.00011 and 0.00009; gnomAD exomes below 0.00001 and 0.00002; TOPMed 0.00012; ExAC 0.00004.
gnomAD v4.1: 19 of 1,613,598 alleles (0.0012%); highest among the groups gnomAD compares: African/African-American, 0.024%; no homozygotes.

Submissions (2):

Ambry Genetics
Classification: Uncertain significance for Inborn genetic diseases. Last evaluated: 2025-06-06. Review status: criteria provided, single submitter. Criteria: Ambry Variant Classification Scheme 2023. Collection method: clinical testing. Allele origin: germline.

Labcorp Genetics (formerly Invitae), Labcorp
Classification: Uncertain significance. Last evaluated: 2024-12-02. Review status: criteria provided, single submitter. Criteria: Invitae Variant Classification Sherloc (09022015). Collection method: clinical testing. Allele origin: germline.
Comment: This sequence change replaces isoleucine, which is neutral and non-polar, with valine, which is neutral and non-polar, at codon 149 of the CCBE1 protein (p.Ile149Val). This variant is present in population databases (rs202039064, gnomAD 0.03%). This variant has not been reported in the literature in individuals affected with CCBE1-related conditions. ClinVar contains an entry for this variant (Variation ID: 1399775). Invitae Evidence Modeling of protein sequence and biophysical properties (such as structural, functional, and spatial information, amino acid conservation, physicochemical variation, residue mobility, and thermodynamic stability) indicates that this missense variant is not expected to disrupt CCBE1 protein function with a negative predictive value of 80%. In summary, the available evidence is currently insufficient to determine the role of this variant in disease. Therefore, it has been classified as a Variant of Uncertain Significance.

NM_133459.4(CCBE1):c.445A>G (p.Ile149Val)

Gene: CCBE1 (collagen and calcium binding EGF domains 1; minus strand). Cytogenetic location: 18q21.32.
Variant type: single nucleotide variant.
Coding change: c.445A>G on transcript NM_133459.4 (MANE Select); coding-DNA position 445, A replaced by G.
Protein change: p.Ile149Val; replaces isoleucine 149 with valine.
Molecular consequence: missense variant.
Genome position (GRCh38, 1-based): chr18:59,466,847, T>C on the plus strand (A>G on the coding strand, the complement: CCBE1 is on the minus strand). VCF-style: chr18-59466847-T-C. GRCh37 (hg19) VCF-style: chr18-57134079-T-C.
Other names: c.445A>G (NM_133459.3); short protein forms I149V.
Identifiers: ClinVar variation 1399775 (VCV001399775.7), dbSNP rs202039064, ClinGen allele CA8980486.